The following is an entry in ClinVar:

NM_000535.7(PMS2):c.1786A>T (p.Asn596Tyr)

Gene: PMS2 (PMS1 homolog 2, mismatch repair system component; minus strand). Cytogenetic location: 7p22.1.
Variant type: single nucleotide variant.
Coding change: c.1786A>T on transcript NM_000535.7 (MANE Select); coding-DNA position 1786, A replaced by T.
Protein change: p.Asn596Tyr; replaces asparagine 596 with tyrosine.
Molecular consequence: missense variant. On other transcripts: non-coding transcript variant (1), intron variant (1).
Genome position (GRCh38, 1-based): chr7:5,986,979, T>A on the plus strand (A>T on the coding strand, the complement: PMS2 is on the minus strand). VCF-style: chr7-5986979-T-A. GRCh37 (hg19) VCF-style: chr7-6026610-T-A.
Other names: c.1420A>T, p.Asn474Tyr (NM_001406886.1); c.1381A>T, p.Asn461Tyr (NM_001406887.1, NM_001406888.1, NM_001406889.1 and 16 more transcripts); c.1786A>T, p.Asn596Tyr (NM_001322014.2, NM_001406871.1, NM_001406872.1); c.1477A>T, p.Asn493Tyr (NM_001322015.2, NM_001406875.1, NM_001406877.1 and 5 more transcripts); c.1972A>T, p.Asn658Tyr (NM_001406866.1); c.1810A>T, p.Asn604Tyr (NM_001406868.1); c.1678A>T, p.Asn560Tyr (NM_001406869.1); c.1630A>T, p.Asn544Tyr (NM_001406870.1, NM_001322006.2); and 13 more; short protein forms N441Y, N658Y, N425Y, N484Y, N488Y, N493Y, N540Y, N596Y.
Identifiers: ClinVar variation 3645925 (VCV003645925.2).

ClinVar aggregate classification (germline): Uncertain significance (1 of 4 stars; one submission).

Conditions:
Hereditary nonpolyposis colorectal neoplasms. Identifiers: MedGen C0009405, MeSH D003123.

gnomAD v4.1: 1 of 1,614,192 alleles (0.000062%); highest among the groups gnomAD compares: South Asian, 0.0011%; no homozygotes.

Submission:

Labcorp Genetics (formerly Invitae), Labcorp
Classification: Uncertain significance for Hereditary nonpolyposis colorectal neoplasms. Last evaluated: 2024-03-14. Review status: criteria provided, single submitter. Criteria: Invitae Variant Classification Sherloc (09022015). Collection method: clinical testing. Allele origin: germline.
Comment: This sequence change replaces asparagine, which is neutral and polar, with tyrosine, which is neutral and polar, at codon 596 of the PMS2 protein (p.Asn596Tyr). This variant is not present in population databases (gnomAD no frequency). This variant has not been reported in the literature in individuals affected with PMS2-related conditions. Advanced modeling of protein sequence and biophysical properties (such as structural, functional, and spatial information, amino acid conservation, physicochemical variation, residue mobility, and thermodynamic stability) performed at Invitae indicates that this missense variant is not expected to disrupt PMS2 protein function with a negative predictive value of 80%. In summary, the available evidence is currently insufficient to determine the role of this variant in disease. Therefore, it has been classified as a Variant of Uncertain Significance.